The following is an entry in ClinVar:

ClinVar aggregate classification (germline): Uncertain significance. Review status: criteria provided, single submitter (1 of 4 stars). 3 submissions from 3 submitters: Uncertain significance (1). 2 of the submissions do not count toward it. Last evaluated 2021-08-17.

Conditions:
Acyl-CoA oxidase deficiency. Also called: Peroxisomal acyl-CoA oxidase deficiency; Pseudoneonatal adrenoleukodystrophy; STRAIGHT-CHAIN ACYL-CoA OXIDASE DEFICIENCY. Identifiers: Orphanet 2971, MedGen C1849678, MONDO:0009919, OMIM 264470. Disease mechanism: loss of function.

Allele frequency attached by ClinVar (database versions not stated): gnomAD 0.00001; gnomAD exomes 0.00001; TOPMed 0.00001.
gnomAD v4.1: 12 of 1,613,976 alleles (0.00074%); highest among the groups gnomAD compares: Admixed American, 0.0017%; no homozygotes.

Submissions (3):

Women's Health and Genetics/Laboratory Corporation of America, LabCorp
Classification: Uncertain significance. Last evaluated: 2021-08-17. Review status: criteria provided, single submitter. Criteria: LabCorp Variant Classification Summary - May 2015. Collection method: clinical testing. Allele origin: germline.
Comment: Variant summary: ACOX1 c.679G>A (p.Gly227Ser) results in a non-conservative amino acid change located in the central domain (IPR006091) of the encoded protein sequence. Five of five in-silico tools predict a damaging effect of the variant on protein function. The variant allele was found at a frequency of 8e-06 in 251476 control chromosomes (gnomAD). The available data on variant occurrences in the general population are insufficient to allow any conclusion about variant significance. To our knowledge, no occurrence of c.679G>A in individuals affected with Pseudoneonatal Adrenoleukodystrophy and no experimental evidence demonstrating its impact on protein function have been reported. One clinical diagnostic laboratory has submitted clinical-significance assessments for this variant to ClinVar after 2014 without evidence for independent evaluation, and classified the variant as likely pathogenic. Based on the evidence outlined above, the variant was classified as uncertain significance.

Natera, Inc.
Classification: Uncertain significance for Peroxisomal acyl-CoA oxidase deficiency. Last evaluated: 2021-06-04. Review status: no assertion criteria provided. Collection method: clinical testing. Allele origin: germline. Not counted in ClinVar's aggregate classification.

Myelin Disorders Clinic-Children's Medical Center/Medical Genetics Lab-Tarbiat Modares University, Children's Medical Center, Pediatrics Center of Excellence,
Classification: Likely pathogenic for Acyl-CoA oxidase deficiency. Review status: no assertion criteria provided. Collection method: clinical testing. Allele origin: inherited. Inheritance: Autosomal recessive inheritance. Affected: yes. Not counted in ClinVar's aggregate classification.

NM_004035.7(ACOX1):c.679G>A (p.Gly227Ser)

Gene: ACOX1 (acyl-CoA oxidase 1; minus strand). Cytogenetic location: 17q25.1.
Variant type: single nucleotide variant.
Coding change: c.679G>A on transcript NM_004035.7 (MANE Select); coding-DNA position 679, G replaced by A.
Protein change: p.Gly227Ser; replaces glycine 227 with serine.
Molecular consequence: missense variant.
Genome position (GRCh38, 1-based): chr17:75,955,661, C>T on the plus strand (G>A on the coding strand, the complement: ACOX1 is on the minus strand). VCF-style: chr17-75955661-C-T. GRCh37 (hg19) VCF-style: chr17-73951742-C-T.
Other names: c.565G>A, p.Gly189Ser (NM_001185039.2); c.679G>A, p.Gly227Ser (NM_007292.6); c.679G>A (NM_004035.6); short protein forms G227S, G189S.
Identifiers: ClinVar variation 977523 (VCV000977523.7), dbSNP rs1002618350, ClinGen allele CA294110409.